The following is an entry in ClinVar:

ClinVar aggregate classification (germline): Pathogenic/Likely pathogenic. Review status: criteria provided, multiple submitters, no conflicts (2 of 4 stars). 2 submissions from 2 submitters: Pathogenic (1); Likely pathogenic (1). Last evaluated 2025-09-19.

Submissions (2):

Labcorp Genetics (formerly Invitae), Labcorp
Classification: Pathogenic. Last evaluated: 2025-09-19. Review status: criteria provided, single submitter. Criteria: Invitae Variant Classification Sherloc (09022015). Collection method: clinical testing. Allele origin: germline.
Comment: This sequence change creates a premature translational stop signal (p.Pro306Serfs*4) in the COL9A1 gene. It is expected to result in an absent or disrupted protein product. Loss-of-function variants in COL9A1 are known to be pathogenic (PMID: 16909383, 21421862). The frequency data for this variant in the population databases is considered unreliable, as metrics indicate poor data quality at this position in the gnomAD database. This variant has not been reported in the literature in individuals affected with COL9A1-related conditions. ClinVar contains an entry for this variant (Variation ID: 1454339). For these reasons, this variant has been classified as Pathogenic.

GeneDx
Classification: Likely pathogenic. Last evaluated: 2023-07-25. Review status: criteria provided, single submitter. Criteria: GeneDx Variant Classification Process June 2021. Collection method: clinical testing. Allele origin: germline. Affected: yes.
Comment: Frameshift variant predicted to result in protein truncation or nonsense mediated decay in a gene for which loss of function is a known mechanism of disease; Not observed at significant frequency in large population cohorts (gnomAD); Has not been previously published as pathogenic or benign to our knowledge

Literature cited by the submitters: PubMed 16909383 (cited by Labcorp Genetics (formerly Invitae), Labcorp); PubMed 21421862 (cited by Labcorp Genetics (formerly Invitae), Labcorp).

NM_001851.6(COL9A1):c.902dup (p.Pro306fs)

Gene: COL9A1 (collagen type IX alpha 1 chain; minus strand). Cytogenetic location: 6q13.
Variant type: Duplication.
Coding change: c.902dup on transcript NM_001851.6 (MANE Select); coding-DNA position 902, one base duplicated (C; older notation c.902dupC).
Protein change: p.Pro306fs; shifts the reading frame from proline 306.
Molecular consequence: frameshift variant. On other transcripts: non-coding transcript variant (1).
Genome position (GRCh38, 1-based): chr6:70,281,014, G duplicated on the plus strand (C on the coding strand, the reverse complement: COL9A1 is on the minus strand); the first of 6 consecutive G bases (chr6:70,281,014-70,281,019); duplicating any one gives the same sequence. VCF-style (leftmost placement, unchanged base first): chr6-70281013-C-CG. GRCh37 (hg19) VCF-style: chr6-70990716-C-CG.
Other names: c.173dup, p.Pro63fs (NM_001377289.1, NM_001377290.1, NM_078485.4); c.902dup, p.Pro306fs (NM_001377291.1); c.902dup (NM_001851.4); short protein forms P306fs, P63fs.
Identifiers: ClinVar variation 1454339 (VCV001454339.6), dbSNP rs771382737, ClinGen allele CA3882593.